The following is an entry in ClinVar:

ClinVar aggregate classification (germline): Uncertain significance (1 of 4 stars; one submission).

Allele frequency attached by ClinVar (database versions not stated): gnomAD 0.00001; gnomAD exomes 0.00001.
gnomAD v4.1: 21 of 1,609,962 alleles (0.0013%); highest among the groups gnomAD compares: East Asian, 0.0022%; no homozygotes.

Submission:

Labcorp Genetics (formerly Invitae), Labcorp
Classification: Uncertain significance. Last evaluated: 2023-11-27. Review status: criteria provided, single submitter. Criteria: Invitae Variant Classification Sherloc (09022015). Collection method: clinical testing. Allele origin: germline.
Comment: This sequence change replaces alanine, which is neutral and non-polar, with valine, which is neutral and non-polar, at codon 2 of the VPS33A protein (p.Ala2Val). The frequency data for this variant in the population databases is considered unreliable, as metrics indicate poor data quality at this position in the gnomAD database. This variant has not been reported in the literature in individuals affected with VPS33A-related conditions. ClinVar contains an entry for this variant (Variation ID: 1950729). An algorithm developed to predict the effect of missense changes on protein structure and function (PolyPhen-2) suggests that this variant is likely to be tolerated. In summary, the available evidence is currently insufficient to determine the role of this variant in disease. Therefore, it has been classified as a Variant of Uncertain Significance.

NM_022916.6(VPS33A):c.5C>T (p.Ala2Val)

Gene: VPS33A (VPS33A core subunit of CORVET and HOPS complexes; minus strand). Cytogenetic location: 12q24.31.
Variant type: single nucleotide variant.
Coding change: c.5C>T on transcript NM_022916.6 (MANE Select); coding-DNA position 5, C replaced by T.
Protein change: p.Ala2Val; replaces alanine 2 with valine.
Molecular consequence: missense variant. On other transcripts: 5 prime UTR variant (2).
Genome position (GRCh38, 1-based): chr12:122,266,404, G>A on the plus strand (C>T on the coding strand, the complement: VPS33A is on the minus strand). VCF-style: chr12-122266404-G-A. GRCh37 (hg19) VCF-style: chr12-122750951-G-A.
Other names: c.-259C>T (NM_001351018.2); c.-356C>T (NM_001351019.2); c.5C>T, p.Ala2Val (NM_001351020.2, NM_001351021.2); short protein forms A2V.
Identifiers: ClinVar variation 1950729 (VCV001950729.5), dbSNP rs1269221209, ClinGen allele CA387027136.
Genomic context (GRCh38, chr12:122,266,404, plus strand): 5'-TCGCGACGCACCGCCTCGCGCAACACGTTTAGGTTCACTCGGCCGTAGGACAGATGAGCC[G>A]CCATCTTGCTCCACCACCCCCTGCCCCACAACGCCAACCGAGTCCGCCGGTTCCTACGGG-3'
Protein context (NP_075067.2, residues 1-12): M[Ala2Val]AHLSYGRVNL